The following is an entry in ClinVar:

ClinVar aggregate classification (germline): Likely pathogenic (1 of 4 stars; one submission).

Conditions:
Plasminogen deficiency, type I. Also called: Hypoplasminogenemia; Type 1 plasminogen deficiency. Identifiers: Orphanet 722, MedGen C1968804, MONDO:0009009, OMIM 217090.

gnomAD v4.1: 1 of 1,614,150 alleles (0.000062%); highest among the groups gnomAD compares: Middle Eastern, 0.016%; no homozygotes.

Submission:

Department of Molecular Genetics, Istishari Arab Hospital
Classification: Likely pathogenic for Plasminogen deficiency, type I. Last evaluated: 2026-04-13. Review status: criteria provided, single submitter. Criteria: ACMG Guidelines, 2015. Collection method: clinical testing. Allele origin: germline. Inheritance: Autosomal recessive inheritance. Affected: yes.
Comment: The PLG variant c.1994A>T, p.Asp665Val results in an amino acid substitution from Asp to Val at position 665. This variant is observed at very low frequency (<0.001) in the gnomAD v4.1.0 dataset, and to the best of our knowledge, it has not been previously reported in the literature. This variant was previously reported in-house as disease-causing in 2 apparently unrelated patients with developmental delay, Dandy-Walker malformation, absent corpus callosum, morphological CNS abnormalities, and congenital hydrocephalus. It is classified as likely pathogenic according to the recommendations of ACMG/AMP/ClinGen SVI guidelines.

NM_000301.5(PLG):c.1994A>T (p.Asp665Val)

Gene: PLG (plasminogen; plus strand). Cytogenetic location: 6q26.
Variant type: single nucleotide variant.
Coding change: c.1994A>T on transcript NM_000301.5 (MANE Select); coding-DNA position 1994, A replaced by T.
Protein change: p.Asp665Val; replaces aspartic acid 665 with valine.
Molecular consequence: missense variant.
Genome position (GRCh38, 1-based): chr6:160,739,184, A>T. VCF-style: chr6-160739184-A-T. GRCh37 (hg19) VCF-style: chr6-161160216-A-T.
Other names: p.Asp665Val; short protein forms D665V.
Identifiers: ClinVar variation 4820655 (VCV004820655.1).
Genomic context (GRCh38, chr6:160,739,184, plus strand): 5'-TCGAACCGCATGTTCAGGAAATAGAAGTGTCTAGGCTGTTCTTGGAGCCCACACGAAAAG[A>T]TATTGCCTTGCTAAAGCTAAGCAGGTACTCGTTCACCTGTGGTCTTCACCCCACGCTGGT-3'
Protein context (NP_000292.1, residues 655-675): SRLFLEPTRK[Asp665Val]IALLKLSSPA